The following is an entry in ClinVar:

NM_003742.4(ABCB11):c.403G>A (p.Glu135Lys)

Gene: ABCB11 (ATP binding cassette subfamily B member 11; minus strand). Cytogenetic location: 2q31.1.
Variant type: single nucleotide variant.
Coding change: c.403G>A on transcript NM_003742.4 (MANE Select); coding-DNA position 403, G replaced by A.
Protein change: p.Glu135Lys; replaces glutamic acid 135 with lysine.
Molecular consequence: missense variant.
Genome position (GRCh38, 1-based): chr2:168,996,709, C>T on the plus strand (G>A on the coding strand, the complement: ABCB11 is on the minus strand). VCF-style: chr2-168996709-C-T. GRCh37 (hg19) VCF-style: chr2-169853219-C-T.
Other names: NM_003742.4(ABCB11):c.403G>A; p.Glu135Lys; c.403G>A, p.Glu135Lys (LRG_1199t1); c.403G>A (NM_003742.2); short protein forms E135K.
Identifiers: ClinVar variation 500323 (VCV000500323.12), dbSNP rs752992432, ClinGen allele CA1951894.
Genomic context (GRCh38, chr2:168,996,709, plus strand): 5'-TGATAAGTACTGCGACAGCAATTCCAGCATAGTAACTGGCAAATTTGATCATTTCGCTCT[C>T]GATGTTCAGCAACCTTCAAAAGAGGGAAAAGAATGTTCAGACTTGCAAGTAGGATCAAGC-3'
Protein context (NP_003733.2, residues 125-145): NGTRCGLLNI[Glu135Lys]SEMIKFASYY

ClinVar aggregate classification (germline): Pathogenic/Likely pathogenic. Review status: criteria provided, multiple submitters, no conflicts (2 of 4 stars). 8 submissions from 8 submitters: Pathogenic (2); Likely pathogenic (5). 1 of the submissions does not count toward it. Last evaluated 2026-04-14.

Conditions:
Familial intrahepatic cholestasis. Identifiers: Orphanet 284385, MedGen CN296401, MONDO:0017290.
Progressive familial intrahepatic cholestasis type 2. Identifiers: Orphanet 79304, MedGen C3489789, MONDO:0011156, OMIM 601847.
ABCB11-related disorder. Also called: ABCB11-related condition.
Benign recurrent intrahepatic cholestasis type 2 (BRIC2). Also called: Recurrent familial intrahepatic cholestasis 2. Identifiers: Orphanet 65682, Orphanet 99961, MedGen C2608083, MONDO:0011559, OMIM 605479.

Allele frequency attached by ClinVar (database versions not stated): TOPMed 0.00003; gnomAD 0.00001; ExAC 0.00002.
gnomAD v4.1: 51 of 1,557,346 alleles (0.0033%); highest among the groups gnomAD compares: Non-Finnish European, 0.0042%; no homozygotes.

Submissions (8):

Genomenon, Inc
Classification: Likely pathogenic for Familial intrahepatic cholestasis. Last evaluated: 2026-04-14. Review status: criteria provided, single submitter. Criteria: Genomenon Sequence Variant Interpretation Standards - Updated. Collection method: curation. Allele origin: germline. Affected: yes.
Comment: ABCB11 p.Glu135Lys (c.403G>A) is a missense variant that changes the amino acid at residue 135 from Glutamic acid to Lysine. This variant has been observed in at least one proband with an ABCB11-related disorder (PMID:37471416;35626323;32087350;28733223;25847299;27493120;23022423). It has been observed in trans with a pathogenic or likely pathogenic variant (PMID:27493120). Functional studies have been reported (PMID:19101985). It is absent or not present at a significant frequency in gnomAD. In silico models predict that this variant is possibly or probably damaging. In conclusion, we classify ABCB11 p.Glu135Lys (c.403G>A) as a likely pathogenic variant.

PreventionGenetics, part of Exact Sciences
Classification: Likely pathogenic for ABCB11-related condition. Last evaluated: 2025-06-23. Review status: criteria provided, single submitter. Criteria: ACMG Guidelines, 2015. Collection method: clinical testing. Allele origin: germline.
Comment: The ABCB11 c.403G>A variant is predicted to result in the amino acid substitution p.Glu135Lys. This variant has been reported in a patient with benign recurrent intrahepatic cholestasis and functional studies found that it resulted in reduced mature protein levels in an in vitro assay (Byrne et al. 2009. PubMed ID: 19101985). This variant was also reported in a patient with intrahepatic cholestasis of pregnancy (Anzivino et al. 2013. PubMed ID: 23022423), and in a patient with progressive familial intrahepatic cholestasis in combination with a second truncating variant (Vitale et al. 2016. PubMed ID: 27493120). This variant is reported in 0.0058% of alleles in individuals of European (non-Finnish) descent in gnomAD. This variant is interpreted as likely pathogenic.

Broad Center for Mendelian Genomics, Broad Institute of MIT and Harvard
Classification: Likely pathogenic for Progressive familial intrahepatic cholestasis type 2. Last evaluated: 2025-02-03. Review status: criteria provided, single submitter. Criteria: ACMG Guidelines, 2015. Collection method: curation. Allele origin: germline. Inheritance: Autosomal recessive inheritance.
Comment: The p.Glu135Lys variant in ABCB11 has been reported in five individuals with BSEP deficiency (PMID: 19101985, 26678486, 28733223, 35626323; CebecauerovaÃÅ et al. 2010), and has been identified in 0.004% (48/1148100) of European (non-Finnish) chromosomes by the Genome Aggregation Database (gnomAD; dbSNP rs752992432). Although this variant has been seen in the general population in a heterozygous state, its frequency is low enough to be consistent with a recessive carrier frequency. This variant has also been reported in ClinVar (Variation ID: 500323) and has been interpreted as likely pathogenic by Genomics And Bioinformatics Analysis Resource (Columbia University) and Eurofins Ntd Llc (ga). Of the five affected individuals, two were compound heterozygotes that carried a reported pathogenic variant in trans and one was a compound heterozygote that carried a reported pathogenic variant with unknown phase, which increases the likelihood that the p.Glu135Lys variant is pathogenic (Variation ID: 374098, 6590; PMID: 26678486, 28733223, 35626323). In vitro functional studies provide some evidence that the p.Glu135Lys variant may slightly impact protein function (PMID: 19101985). However, these types of assays may not accurately represent biological function. Computational prediction tools and conservation analyses suggest that this variant may impact the protein, though this information is not predictive enough to determine pathogenicity. In summary, although additional studies are required to fully establish its clinical significance, this variant is likely pathogenic for autosomal recessive BSEP deficiency. ACMG/AMP Criteria applied: PM3_strong, PP3, PM2_supporting, PS3_supporting (Richards 2015).

Natera, Inc.
Classification: Pathogenic for Progressive familial intrahepatic cholestasis type 2. Last evaluated: 2024-11-25. Review status: criteria provided, single submitter. Criteria: Natera Variant Classification Schema (03/2026). Collection method: clinical testing. Allele origin: germline.
Comment: The c.403G>A variant in ABCB11 is a missense variant predicted to cause substitution of glutamic acid to lysine at amino acid 135. This variant is rare in the general population with a frequency below the threshold expected for the associated phenotype(s). This variant has been observed in one or more individuals affected with the associated recessive disease, as either homozygous or compound heterozygous with a second variant (PMID: 26678486, 27493120, 32087350, 25847299, 38057357). Functional studies show that this variant may disrupt protein function (PMID: 19101985). Computational prediction algorithms indicate this variant is likely to affect gene or protein function. Given the available evidence, this variant is classified as Pathogenic.

Baylor Genetics
Classification: Pathogenic for Benign recurrent intrahepatic cholestasis type 2. Last evaluated: 2024-03-04. Review status: criteria provided, single submitter. Criteria: ACMG Guidelines, 2015. Collection method: clinical testing. Allele origin: unknown.

Eurofins Ntd Llc (ga)
Classification: Likely pathogenic. Last evaluated: 2017-02-06. Review status: criteria provided, single submitter. Criteria: EGL Classification Definitions 2015. Collection method: clinical testing. Allele origin: germline. Observed: 2 variant alleles, 2 heterozygotes.

Kariminejad - Najmabadi Pathology & Genetics Center
Classification: Likely pathogenic for Progressive familial intrahepatic cholestasis type 2. Review status: criteria provided, single submitter. Criteria: ACMG Guidelines, 2015. Collection method: clinical testing. Allele origin: germline. Affected: no.

Genomics And Bioinformatics Analysis Resource, Columbia University
Classification: Likely pathogenic for Progressive familial intrahepatic cholestasis type 2. Review status: no assertion criteria provided. Collection method: research. Allele origin: unknown. Affected: yes. Not counted in ClinVar's aggregate classification.
Comment: Compound Heterozygous

Literature cited by the submitters: PubMed 37471416 (cited by Genomenon, Inc); PubMed 35626323 (cited by Genomenon, Inc); PubMed 32087350 (cited by Genomenon, Inc and Natera, Inc.); PubMed 28733223 (cited by Genomenon, Inc); PubMed 25847299 (cited by Genomenon, Inc and Natera, Inc.); PubMed 27493120 (cited by Genomenon, Inc and Natera, Inc.); PubMed 23022423 (cited by Genomenon, Inc); PubMed 19101985 (cited by Genomenon, Inc and Natera, Inc.); PubMed 26678486 (cited by Natera, Inc.); PubMed 38057357 (cited by Natera, Inc.).